The following is an entry in ClinVar:

NM_201384.3(PLEC):c.8930T>C (p.Leu2977Pro)

Gene: PLEC (plectin; minus strand). Cytogenetic location: 8q24.3.
Variant type: single nucleotide variant.
Coding change: c.8930T>C on transcript NM_201384.3 (MANE Select); coding-DNA position 8930, T replaced by C.
Protein change: p.Leu2977Pro; replaces leucine 2977 with proline.
Molecular consequence: missense variant.
Genome position (GRCh38, 1-based): chr8:143,920,891, A>G on the plus strand (T>C on the coding strand, the complement: PLEC is on the minus strand). VCF-style: chr8-143920891-A-G. GRCh37 (hg19) VCF-style: chr8-144995059-A-G.
Other names: c.9011T>C, p.Leu3004Pro (NM_000445.5); c.8888T>C, p.Leu2963Pro (NM_201378.4); c.8864T>C, p.Leu2955Pro (NM_201379.3); c.9341T>C, p.Leu3114Pro (NM_201380.4); c.8834T>C, p.Leu2945Pro (NM_201381.3); c.8930T>C, p.Leu2977Pro (NM_201382.4); c.8942T>C, p.Leu2981Pro (NM_201383.3); short protein forms L2955P, L2963P, L3004P, L2945P, L3114P, L2977P, L2981P.
Identifiers: ClinVar variation 942121 (VCV000942121.7), dbSNP rs965070864, ClinGen allele CA187611561.
Genomic context (GRCh38, chr8:143,920,891, plus strand): 5'-TAGAGCTCGCGGTCGATGACCCTGCTCTCCAGCAGCTCGGCGGCTGGCACCAGGCTGCGC[A>G]GGCCCTCAAAGCAAAGCCGGCCCTTCTGCTCCTGCTCCTCCACCACCGTGATGATGATCT-3'
Protein context (NP_958786.1, residues 2967-2987): EQKGRLCFEG[Leu2977Pro]RSLVPAAELL

ClinVar aggregate classification (germline): Uncertain significance (1 of 4 stars; one submission).

Conditions:
Epidermolysis bullosa simplex 5B, with muscular dystrophy (EBS5B). Also called: EPIDERMOLYSIS BULLOSA SIMPLEX AND LIMB-GIRDLE MUSCULAR DYSTROPHY; Epidermolysis bullosa simplex with muscular dystrophy. Identifiers: Orphanet 257, MedGen C2931072, MONDO:0009181, OMIM 226670.
Epidermolysis bullosa simplex with nail dystrophy (EBS5D). Identifiers: MedGen C4225309, MONDO:0014661, OMIM 616487.
Epidermolysis bullosa simplex, Ogna type (EBS5A). Also called: EPIDERMOLYSIS BULLOSA SIMPLEX 5A, OGNA TYPE; Pidermolysis bullosa simplex 5A, Ogna type. Identifiers: Orphanet 79401, MedGen C0432317, MONDO:0007555, OMIM 131950.
Autosomal recessive limb-girdle muscular dystrophy type 2Q (LGMDR17). Also called: MUSCULAR DYSTROPHY, LIMB-GIRDLE, AUTOSOMAL RECESSIVE 17. Identifiers: Orphanet 254361, MedGen C3150989, MONDO:0013390, OMIM 613723.
Epidermolysis bullosa simplex 5C, with pyloric atresia (EBS5C). Also called: Epidermolysis bullosa simplex with pyloric atresia; PLEC-Related Epidermolysis Bullosa with Pyloric Atresia; PLEC1-Related Epidermolysis Bullosa with Pyloric Atresia. Identifiers: Orphanet 158684, MedGen C2677349, MONDO:0012807, OMIM 612138.

Allele frequency attached by ClinVar (database versions not stated): gnomAD exomes 0.00001; TOPMed 0.00001.

Submission:

Labcorp Genetics (formerly Invitae), Labcorp
Classification: Uncertain significance for Autosomal recessive limb-girdle muscular dystrophy type 2Q; Epidermolysis bullosa simplex, Ogna type; Epidermolysis bullosa simplex with nail dystrophy; Epidermolysis bullosa simplex 5C, with pyloric atresia; Epidermolysis bullosa simplex 5B, with muscular dystrophy. Last evaluated: 2023-10-13. Review status: criteria provided, single submitter. Criteria: Invitae Variant Classification Sherloc (09022015). Collection method: clinical testing. Allele origin: germline.
Comment: This sequence change replaces leucine, which is neutral and non-polar, with proline, which is neutral and non-polar, at codon 3004 of the PLEC protein (p.Leu3004Pro). This variant is present in population databases (no rsID available, gnomAD 0.007%). This variant has not been reported in the literature in individuals affected with PLEC-related conditions. ClinVar contains an entry for this variant (Variation ID: 942121). Advanced modeling of protein sequence and biophysical properties (such as structural, functional, and spatial information, amino acid conservation, physicochemical variation, residue mobility, and thermodynamic stability) performed at Invitae indicates that this missense variant is not expected to disrupt PLEC protein function. In summary, the available evidence is currently insufficient to determine the role of this variant in disease. Therefore, it has been classified as a Variant of Uncertain Significance.